The following is an entry in ClinVar:

NM_001355436.2(SPTB):c.4709G>A (p.Arg1570Gln)

Gene: SPTB (spectrin beta, erythrocytic; minus strand). Cytogenetic location: 14q23.3.
Variant type: single nucleotide variant.
Coding change: c.4709G>A on transcript NM_001355436.2 (MANE Select); coding-DNA position 4709, G replaced by A.
Protein change: p.Arg1570Gln; replaces arginine 1570 with glutamine.
Molecular consequence: missense variant.
Genome position (GRCh38, 1-based): chr14:64,775,258, C>T on the plus strand (G>A on the coding strand, the complement: SPTB is on the minus strand). VCF-style: chr14-64775258-C-T. GRCh37 (hg19) VCF-style: chr14-65241976-C-T.
Other names: NM_000347.5:c.4709G>A; c.4709G>A, p.Arg1570Gln (NM_001024858.4, NM_001355437.2); short protein forms R1570Q.
Identifiers: ClinVar variation 2045023 (VCV002045023.6), dbSNP rs139446085, ClinGen allele CA7230216.
Genomic context (GRCh38, chr14:64,775,258, plus strand): 5'-TAGTACTGCTGTGCCTCGTTGGCGTCCCTCAGTCGCTGCAGCCTCCCGGCCGCTGCCTCC[C>T]GCAGCCTGTCCCAGGAGCTCTGCAGGTGCCCCAGGCGCTCCTCAAGGTCCTGGCAGTCGA-3'
Protein context (NP_001342365.1, residues 1560-1580): GHLQSSWDRL[Arg1570Gln]EAAAGRLQRL

ClinVar aggregate classification (germline): Conflicting classifications of pathogenicity. Review status: criteria provided, conflicting classifications (1 of 4 stars). 3 submissions from 3 submitters: Uncertain significance (2); Likely benign (1). Last evaluated 2025-06-13.

Conditions:
Inborn genetic diseases. Identifiers: MedGen C0950123, MeSH D030342.

Allele frequency attached by ClinVar (database versions not stated): ExAC 0.00003; gnomAD exomes 0.00004; ESP Exome Variant Server 0.00008; gnomAD 0.00012; 1000 Genomes Project 30x 0.00016; TOPMed 0.00019; 1000 Genomes Project 0.00020.
gnomAD v4.1: 79 of 1,613,646 alleles (0.0049%); highest among the groups gnomAD compares: Admixed American, 0.018%; no homozygotes.

Submissions (3):

Labcorp Genetics (formerly Invitae), Labcorp
Classification: Uncertain significance. Last evaluated: 2025-06-13. Review status: criteria provided, single submitter. Criteria: Invitae Variant Classification Sherloc (09022015). Collection method: clinical testing. Allele origin: germline.
Comment: This sequence change replaces arginine, which is basic and polar, with glutamine, which is neutral and polar, at codon 1570 of the SPTB protein (p.Arg1570Gln). This variant is present in population databases (rs139446085, gnomAD 0.009%). This variant has not been reported in the literature in individuals affected with SPTB-related conditions. ClinVar contains an entry for this variant (Variation ID: 2045023). An algorithm developed to predict the effect of missense changes on protein structure and function outputs the following: PolyPhen-2: "Benign". The glutamine amino acid residue is found in multiple mammalian species, which suggests that this missense change does not adversely affect protein function. In summary, the available evidence is currently insufficient to determine the role of this variant in disease. Therefore, it has been classified as a Variant of Uncertain Significance.

Revvity Omics, Revvity
Classification: Uncertain significance. Last evaluated: 2024-04-30. Review status: criteria provided, single submitter. Criteria: ACMG Guidelines, 2015. Collection method: clinical testing. Allele origin: germline.

Ambry Genetics
Classification: Likely benign for Inborn genetic diseases. Last evaluated: 2022-10-27. Review status: criteria provided, single submitter. Criteria: Ambry Variant Classification Scheme 2023. Collection method: clinical testing. Allele origin: germline.